The following is an entry in ClinVar:

ClinVar aggregate classification (germline): Uncertain significance (1 of 4 stars; one submission).

Allele frequency attached by ClinVar (database versions not stated): gnomAD exomes below 0.00001.
gnomAD v4.1: 2 of 1,612,128 alleles (0.00012%); highest among the groups gnomAD compares: Middle Eastern, 0.017%; no homozygotes.

Submission:

Labcorp Genetics (formerly Invitae), Labcorp
Classification: Uncertain significance. Last evaluated: 2024-10-22. Review status: criteria provided, single submitter. Criteria: Invitae Variant Classification Sherloc (09022015). Collection method: clinical testing. Allele origin: germline.
Comment: This sequence change replaces glutamine, which is neutral and polar, with arginine, which is basic and polar, at codon 449 of the DGAT1 protein (p.Gln449Arg). This variant is present in population databases (no rsID available, gnomAD 0.0009%). This variant has not been reported in the literature in individuals affected with DGAT1-related conditions. ClinVar contains an entry for this variant (Variation ID: 2015420). Invitae Evidence Modeling of protein sequence and biophysical properties (such as structural, functional, and spatial information, amino acid conservation, physicochemical variation, residue mobility, and thermodynamic stability) indicates that this missense variant is not expected to disrupt DGAT1 protein function with a negative predictive value of 80%. In summary, the available evidence is currently insufficient to determine the role of this variant in disease. Therefore, it has been classified as a Variant of Uncertain Significance.

NM_012079.6(DGAT1):c.1346A>G (p.Gln449Arg)

Gene: DGAT1 (diacylglycerol O-acyltransferase 1; minus strand). Cytogenetic location: 8q24.3.
Variant type: single nucleotide variant.
Coding change: c.1346A>G on transcript NM_012079.6 (MANE Select); coding-DNA position 1346, A replaced by G.
Protein change: p.Gln449Arg; replaces glutamine 449 with arginine.
Molecular consequence: missense variant.
Genome position (GRCh38, 1-based): chr8:144,316,675, T>C on the plus strand (A>G on the coding strand, the complement: DGAT1 is on the minus strand). VCF-style: chr8-144316675-T-C. GRCh37 (hg19) VCF-style: chr8-145540338-T-C.
Other names: short protein forms Q449R.
Identifiers: ClinVar variation 2015420 (VCV002015420.3), dbSNP rs1554847066, ClinGen allele CA372607794.